The following is an entry in ClinVar:

NM_015046.7(SETX):c.1544C>T (p.Thr515Ile)

Gene: SETX (senataxin; minus strand). Cytogenetic location: 9q34.13.
Variant type: single nucleotide variant.
Coding change: c.1544C>T on transcript NM_015046.7 (MANE Select); coding-DNA position 1544, C replaced by T.
Protein change: p.Thr515Ile; replaces threonine 515 with isoleucine.
Molecular consequence: missense variant.
Genome position (GRCh38, 1-based): chr9:132,330,054, G>A on the plus strand (C>T on the coding strand, the complement: SETX is on the minus strand). VCF-style: chr9-132330054-G-A. GRCh37 (hg19) VCF-style: chr9-135205441-G-A.
Other names: c.1544C>T, p.Thr515Ile (NM_001351527.2, NM_001351528.2); short protein forms T515I.
Identifiers: ClinVar variation 2043387 (VCV002043387.4), dbSNP rs201063512, ClinGen allele CA5297758.

ClinVar aggregate classification (germline): Uncertain significance (1 of 4 stars; one submission).

Conditions:
Spinocerebellar ataxia, autosomal recessive, with axonal neuropathy 2 (SCAN2). Also called: Ataxia-ocular apraxia-2; Ataxia with Oculomotor Apraxia Type 2; Ataxia with Oculomotor Apraxia; ATAXIA-OCULOMOTOR APRAXIA 2. Identifiers: Orphanet 64753, MedGen C1853761, MONDO:0018996, OMIM 606002.
Amyotrophic lateral sclerosis type 4 (ALS4). Also called: AMYOTROPHIC LATERAL SCLEROSIS 4, JUVENILE; NEURONOPATHY, DISTAL HEREDITARY MOTOR, WITH PYRAMIDAL FEATURES. Identifiers: Orphanet 357043, MedGen C1865409, MONDO:0011223, OMIM 602433.

Allele frequency attached by ClinVar (database versions not stated): ExAC 0.00001; gnomAD exomes 0.00001; gnomAD 0.00002; TOPMed 0.00002.
gnomAD v4.1: 7 of 1,614,122 alleles (0.00043%); highest among the groups gnomAD compares: Middle Eastern, 0.049%; no homozygotes.

Submission:

Labcorp Genetics (formerly Invitae), Labcorp
Classification: Uncertain significance for Amyotrophic lateral sclerosis type 4; Spinocerebellar ataxia, autosomal recessive, with axonal neuropathy 2. Last evaluated: 2025-08-20. Review status: criteria provided, single submitter. Criteria: Invitae Variant Classification Sherloc (09022015). Collection method: clinical testing. Allele origin: germline.
Comment: This sequence change replaces threonine, which is neutral and polar, with isoleucine, which is neutral and non-polar, at codon 515 of the SETX protein (p.Thr515Ile). This variant is present in population databases (rs201063512, gnomAD no frequency). This variant has not been reported in the literature in individuals affected with SETX-related conditions. ClinVar contains an entry for this variant (Variation ID: 2043387). Invitae Evidence Modeling of protein sequence and biophysical properties (such as structural, functional, and spatial information, amino acid conservation, physicochemical variation, residue mobility, and thermodynamic stability) indicates that this missense variant is not expected to disrupt SETX protein function with a negative predictive value of 95%. In summary, the available evidence is currently insufficient to determine the role of this variant in disease. Therefore, it has been classified as a Variant of Uncertain Significance.